The following is an entry in ClinVar:

NM_000138.5(FBN1):c.2854+4A>G

Gene: FBN1 (fibrillin 1; minus strand). Cytogenetic location: 15q21.1.
Variant type: single nucleotide variant.
Coding change: c.2854+4A>G on transcript NM_000138.5 (MANE Select); 4 bases into the intron after coding-DNA position 2854, A replaced by G.
Molecular consequence: intron variant.
Genome position (GRCh38, 1-based): chr15:48,492,457, T>C on the plus strand (A>G on the coding strand, the complement: FBN1 is on the minus strand). VCF-style: chr15-48492457-T-C. GRCh37 (hg19) VCF-style: chr15-48784654-T-C.
Identifiers: ClinVar variation 2111778 (VCV002111778.4), dbSNP rs2505564217, ClinGen allele CA2580089584.

ClinVar aggregate classification (germline): Uncertain significance (1 of 4 stars; one submission).

Conditions:
Familial thoracic aortic aneurysm and aortic dissection (TAAD). Also called: Thoracic aortic aneurysms and dissections. Identifiers: Orphanet 91387, MedGen C4707243, MONDO:0019625.
Marfan syndrome (MFS). Also called: MARFAN SYNDROME, TYPE I; Marfan syndrome type 1; Marfan's syndrome; Marfan syndrome, classic; FBN1-Related Marfan Syndrome. Identifiers: Orphanet 284963, Orphanet 558, MedGen C0024796, MONDO:0007947, OMIM 154700.

Submission:

Labcorp Genetics (formerly Invitae), Labcorp
Classification: Uncertain significance for Marfan syndrome; Familial thoracic aortic aneurysm and aortic dissection. Last evaluated: 2022-03-14. Review status: criteria provided, single submitter. Criteria: Invitae Variant Classification Sherloc (09022015). Collection method: clinical testing. Allele origin: germline.
Comment: This variant has not been reported in the literature in individuals affected with FBN1-related conditions. Variants that disrupt the consensus splice site are a relatively common cause of aberrant splicing (PMID: 17576681, 9536098). Algorithms developed to predict the effect of sequence changes on RNA splicing suggest that this variant may disrupt the consensus splice site. In summary, the available evidence is currently insufficient to determine the role of this variant in disease. Therefore, it has been classified as a Variant of Uncertain Significance. This variant is not present in population databases (gnomAD no frequency). This sequence change falls in intron 24 of the FBN1 gene. It does not directly change the encoded amino acid sequence of the FBN1 protein. It affects a nucleotide within the consensus splice site.

Literature cited by the submitters: PubMed 17576681; PubMed 9536098.